The following is an entry in ClinVar:

NM_198428.3(BBS9):c.1016+1G>C

Gene: BBS9 (Bardet-Biedl syndrome 9; plus strand). Cytogenetic location: 7p14.3.
Variant type: single nucleotide variant.
Coding change: c.1016+1G>C on transcript NM_198428.3 (MANE Select); the canonical splice donor site of the intron after coding-DNA position 1016, G replaced by C.
Molecular consequence: splice donor variant.
Genome position (GRCh38, 1-based): chr7:33,273,957, G>C. VCF-style: chr7-33273957-G-C. GRCh37 (hg19) VCF-style: chr7-33313569-G-C.
Other names: c.1016+1G>C (NM_001348036.1, NM_001362679.1, NM_001348041.4 and 5 more transcripts); c.743+1G>C (NM_001348038.3, NM_001348039.3); c.650+1G>C (NM_001348037.3, NM_001348045.3, NM_001348046.3 and 1 more transcripts); c.881+1G>C (NM_001348042.3).
Identifiers: ClinVar variation 4733504 (VCV004733504.1).
Genomic context (GRCh38, chr7:33,273,957, plus strand): 5'-ACTGAAGTGGGCCACCCAACTTCCCCACATTCCTGTAGCAGTAAGAGTGGGCTGTTTGCA[G>C]TAAGTGATTTAATTTAACACAGTTTTTAAAGAGGATGTTAGTCAAGAAATTTTCTAGAAG-3'

ClinVar aggregate classification (germline): Likely pathogenic (1 of 4 stars; one submission).

Conditions:
Bardet-Biedl syndrome (BBS). Identifiers: Orphanet 110, MedGen C0752166, MONDO:0015229.

Submission:

Labcorp Genetics (formerly Invitae), Labcorp
Classification: Likely pathogenic for Bardet-Biedl syndrome. Last evaluated: 2025-12-17. Review status: criteria provided, single submitter. Criteria: Invitae Variant Classification Sherloc (09022015). Collection method: clinical testing. Allele origin: germline.
Comment: This sequence change affects a donor splice site in intron 9 of the BBS9 gene. It is expected to disrupt RNA splicing. Variants that disrupt the donor or acceptor splice site typically lead to a loss of protein function (PMID: 16199547), and loss-of-function variants in BBS9 are known to be pathogenic (PMID: 16380913, 20177705). This variant is not present in population databases (gnomAD no frequency). This variant has not been reported in the literature in individuals affected with BBS9-related conditions. Algorithms developed to predict the effect of sequence changes on RNA splicing suggest that this variant may disrupt the consensus splice site. In summary, the currently available evidence indicates that the variant is pathogenic, but additional data are needed to prove that conclusively. Therefore, this variant has been classified as Likely Pathogenic.

Literature cited by the submitters: PubMed 16199547; PubMed 16380913; PubMed 20177705.